The following is an entry in ClinVar:

ClinVar aggregate classification (germline): Conflicting classifications of pathogenicity. Review status: criteria provided, conflicting classifications (1 of 4 stars). 4 submissions from 4 submitters: Uncertain significance (2); Likely benign (2). Last evaluated 2026-08-06.

Conditions:
Maple syrup urine disease (MSUD). Identifiers: Orphanet 511, MedGen C0024776, MeSH D008375, MONDO:0009563. Disease mechanism: loss of function.

Allele frequency attached by ClinVar (database versions not stated): gnomAD exomes 0.00011 and 0.00022; ESP Exome Variant Server 0.00032; gnomAD 0.00065 and 0.00068; TOPMed 0.00068; ExAC 0.00073; 1000 Genomes Project 30x 0.00125; 1000 Genomes Project 0.00140.
gnomAD v4.1: 278 of 1,592,448 alleles (0.017%); highest among the groups gnomAD compares: African/African-American, 0.21%; no homozygotes.

Submissions (4):

OLLIN Analises Genomicas, OLLIN
Classification: Uncertain significance. Last evaluated: 2026-08-06. Review status: criteria provided, single submitter. Criteria: ACMG Guidelines 2015 PMID 25741868. Collection method: clinical testing. Allele origin: germline.
Comment: This missense variant, located in exon 1 (of 10), has been reported in ClinVar (accession VCV000263077.14) and in gnomAD with an allele frequency of 0.017%. However, to our knowledge, it has not been reported in the scientific literature. In silico analysis predicts that this variant has a tolerated effect. According to the currently available evidence, this variant has been classified as uncertain significance (PM2_P, BP4).

Labcorp Genetics (formerly Invitae), Labcorp
Classification: Likely benign for Maple syrup urine disease. Last evaluated: 2026-01-20. Review status: criteria provided, single submitter. Criteria: Invitae Variant Classification Sherloc (09022015). Collection method: clinical testing. Allele origin: germline.

Women's Health and Genetics/Laboratory Corporation of America, LabCorp
Classification: Uncertain significance. Last evaluated: 2022-02-18. Review status: criteria provided, single submitter. Criteria: LabCorp Variant Classification Summary - May 2015. Collection method: clinical testing. Allele origin: germline.

PreventionGenetics, part of Exact Sciences
Classification: Likely benign. Review status: criteria provided, single submitter. Criteria: ACMG Guidelines, 2015. Collection method: clinical testing. Allele origin: germline.

NM_183050.4(BCKDHB):c.86C>T (p.Ala29Val)

Gene: BCKDHB (branched chain keto acid dehydrogenase E1 subunit beta; plus strand). Cytogenetic location: 6q14.1.
Variant type: single nucleotide variant.
Coding change: c.86C>T on transcript NM_183050.4 (MANE Select); coding-DNA position 86, C replaced by T.
Protein change: p.Ala29Val; replaces alanine 29 with valine.
Molecular consequence: missense variant. On other transcripts: non-coding transcript variant (1), intron variant (1).
Genome position (GRCh38, 1-based): chr6:80,106,779, C>T. VCF-style: chr6-80106779-C-T. GRCh37 (hg19) VCF-style: chr6-80816496-C-T.
Other names: c.86C>T, p.Ala29Val (NM_000056.5); c.-15+96C>T (NM_001318975.1); short protein forms A29V.
Identifiers: ClinVar variation 263077 (VCV000263077.15), dbSNP rs9448884, ClinGen allele CA3902493.
Genomic context (GRCh38, chr6:80,106,779, plus strand): 5'-GCTGGCTACTCAGGCTCAGGGCGGCAGGGGCTGAGGGGCACTGGCGTCGGCTTCCTGGCG[C>T]GGGGCTGGCGCGGGGCTTTTTGCACCCCGCCGCGACTGTCGAGGATGCGGCCCAGAGGCG-3'
Protein context (NP_898871.1, residues 19-39): AEGHWRRLPG[Ala29Val]GLARGFLHPA